The following is an entry in ClinVar:

NM_182972.3(IRF2BP2):c.731G>A (p.Ser244Asn)

Gene: IRF2BP2 (interferon regulatory factor 2 binding protein 2; minus strand). Cytogenetic location: 1q42.3.
Variant type: single nucleotide variant.
Coding change: c.731G>A on transcript NM_182972.3 (MANE Select); coding-DNA position 731, G replaced by A.
Protein change: p.Ser244Asn; replaces serine 244 with asparagine.
Molecular consequence: missense variant.
Genome position (GRCh38, 1-based): chr1:234,608,764, C>T on the plus strand (G>A on the coding strand, the complement: IRF2BP2 is on the minus strand). VCF-style: chr1-234608764-C-T. GRCh37 (hg19) VCF-style: chr1-234744510-C-T.
Other names: c.731G>A, p.Ser244Asn (NM_001077397.1); short protein forms S244N.
Identifiers: ClinVar variation 1063579 (VCV001063579.5), dbSNP rs1436297762, ClinGen allele CA345308740.

ClinVar aggregate classification (germline): Uncertain significance (1 of 4 stars; one submission).

Allele frequency attached by ClinVar (database versions not stated): gnomAD exomes below 0.00001; gnomAD 0.00001; TOPMed 0.00001.
gnomAD v4.1: 3 of 1,470,120 alleles (0.0002%); highest among the groups gnomAD compares: Non-Finnish European, 0.00018%; no homozygotes.

Submission:

Labcorp Genetics (formerly Invitae), Labcorp
Classification: Uncertain significance. Last evaluated: 2023-08-17. Review status: criteria provided, single submitter. Criteria: Invitae Variant Classification Sherloc (09022015). Collection method: clinical testing. Allele origin: germline.
Comment: This sequence change replaces serine, which is neutral and polar, with asparagine, which is neutral and polar, at codon 244 of the IRF2BP2 protein (p.Ser244Asn). This variant has not been reported in the literature in individuals affected with IRF2BP2-related conditions. This variant is present in population databases (no rsID available, gnomAD 0.007%). ClinVar contains an entry for this variant (Variation ID: 1063579). An algorithm developed to predict the effect of missense changes on protein structure and function (PolyPhen-2) suggests that this variant is likely to be tolerated. In summary, the available evidence is currently insufficient to determine the role of this variant in disease. Therefore, it has been classified as a Variant of Uncertain Significance.